The following is an entry in ClinVar:

ClinVar aggregate classification (germline): Pathogenic (1 of 4 stars; one submission).

Conditions:
Familial thoracic aortic aneurysm and aortic dissection (TAAD). Also called: Thoracic aortic aneurysms and dissections. Identifiers: Orphanet 91387, MedGen C4707243, MONDO:0019625.

Submission:

Labcorp Genetics (formerly Invitae), Labcorp
Classification: Pathogenic for Familial thoracic aortic aneurysm and aortic dissection. Last evaluated: 2024-08-14. Review status: criteria provided, single submitter. Criteria: Invitae Variant Classification Sherloc (09022015). Collection method: clinical testing. Allele origin: germline.
Comment: This sequence change creates a premature translational stop signal (p.Pro327Glnfs*8) in the TGFBR1 gene. It is expected to result in an absent or disrupted protein product. Loss-of-function variants in TGFBR1 are known to be pathogenic (PMID: 21358634). This variant is not present in population databases (gnomAD no frequency). This premature translational stop signal has been observed in individual(s) with multiple self-healing squamous epithelioma (PMID: 21358634). For these reasons, this variant has been classified as Pathogenic.

Literature cited by the submitters: PubMed 21358634.

NM_004612.4(TGFBR1):c.980del (p.Pro327fs)

Gene: TGFBR1 (transforming growth factor beta receptor 1; plus strand). Cytogenetic location: 9q22.33.
Variant type: Deletion.
Coding change: c.980del on transcript NM_004612.4 (MANE Select); coding-DNA position 980, one base deleted (C; older notation c.980delC).
Protein change: p.Pro327fs; shifts the reading frame from proline 327.
Molecular consequence: frameshift variant. On other transcripts: non-coding transcript variant (4).
Genome position (GRCh38, 1-based): chr9:99,144,738, C deleted; the last of 2 consecutive C bases (chr9:99,144,737-99,144,738); deleting either gives the same sequence. VCF-style (leftmost placement, unchanged base first): chr9-99144736-GC-G. GRCh37 (hg19) VCF-style: chr9-101907018-GC-G.
Other names: c.773del, p.Pro258fs (NM_001407424.1, NM_001407425.1, NM_001407426.1 and 8 more transcripts); c.749del, p.Pro250fs (NM_001407435.1, NM_001130916.3); c.734del, p.Pro245fs (NM_001407436.1); c.272del, p.Pro91fs (NM_001407437.1); c.503del, p.Pro168fs (NM_001407438.1); c.812del, p.Pro271fs (NM_001407417.1); c.785del, p.Pro262fs (NM_001407418.1, NM_001407419.1, NM_001407420.1 and 1 more transcripts); c.992del, p.Pro331fs (NM_001306210.2); and 1 more; short protein forms P245fs, P262fs, P168fs, P271fs, P275fs, P91fs, P250fs, P258fs.
Identifiers: ClinVar variation 3635070 (VCV003635070.2).